The following is an entry in ClinVar:

NM_203486.3(DLL3):c.982G>T (p.Val328Phe)

Gene: DLL3 (delta like canonical Notch ligand 3; plus strand). Cytogenetic location: 19q13.2.
Variant type: single nucleotide variant.
Coding change: c.982G>T on transcript NM_203486.3 (MANE Select); coding-DNA position 982, G replaced by T.
Protein change: p.Val328Phe; replaces valine 328 with phenylalanine.
Molecular consequence: missense variant.
Genome position (GRCh38, 1-based): chr19:39,505,340, G>T. VCF-style: chr19-39505340-G-T. GRCh37 (hg19) VCF-style: chr19-39995980-G-T.
Other names: c.982G>T, p.Val328Phe (NM_016941.4); short protein forms V328F.
Identifiers: ClinVar variation 499140 (VCV000499140.23), dbSNP rs749513254, ClinGen allele CA9432326.

ClinVar aggregate classification (germline): Conflicting classifications of pathogenicity. Review status: criteria provided, conflicting classifications (1 of 4 stars). 5 submissions from 4 submitters: Uncertain significance (4); Likely benign (1). Last evaluated 2025-12-03.

Conditions:
Syndactyly. Also called: Webbed fingers or toes. Identifiers: MedGen C0039075, MONDO:0021002, HP:0001159.
Spondylocostal dysostosis 1, autosomal recessive (SCDO1). Also called: DLL3-Related Spondylocostal Dysostosis, Autosomal Recessive. Identifiers: Orphanet 2311, MedGen CN032975, MONDO:0020692, OMIM 277300.

Allele frequency attached by ClinVar (database versions not stated): ExAC 0.00019; TOPMed 0.00008.
gnomAD v4.1: 79 of 1,614,082 alleles (0.0049%); highest among the groups gnomAD compares: Admixed American, 0.13%; 1 homozygote.

Submissions (5):

Labcorp Genetics (formerly Invitae), Labcorp
Classification: Likely benign. Last evaluated: 2025-12-03. Review status: criteria provided, single submitter. Criteria: Invitae Variant Classification Sherloc (09022015). Collection method: clinical testing. Allele origin: germline.

ARUP Laboratories, Molecular Genetics and Genomics, ARUP Laboratories
Classification: Uncertain significance for Spondylocostal dysostosis 1, autosomal recessive. Last evaluated: 2019-01-24. Review status: criteria provided, single submitter. Criteria: ARUP Molecular Germline Variant Investigation Process. Collection method: clinical testing. Allele origin: germline.
Comment: The DLL3 c.982G>T; p.Val328Phe variant (rs749513254), to our knowledge, is not described in the medical literature but contains an entry in ClinVar (Variation ID: 499140). It is observed in the Latino population at an overall frequency of 0.19% (67/35436 alleles, 1 homozygote) in the Genome Aggregation Database. The valine at codon 328 is highly conserved, and computational algorithms (PolyPhen-2, SIFT) predict that this variant is deleterious. However, due to the lack of clinical and functional data regarding this variant, its clinical significance cannot be determined with certainty.

Illumina Laboratory Services, Illumina
Classification: Uncertain significance for Spondylocostal dysostosis 1, autosomal recessive. Last evaluated: 2018-01-13. Review status: criteria provided, single submitter. Criteria: ICSL Variant Classification Criteria 13 December 2019. Collection method: clinical testing. Allele origin: germline.

Illumina Laboratory Services, Illumina
Classification: Uncertain significance for Non-syndromic syndactyly. Last evaluated: 2018-01-13. Review status: criteria provided, single submitter. Criteria: ICSL Variant Classification Criteria 13 December 2019. Collection method: clinical testing. Allele origin: germline.

Eurofins Ntd Llc (ga)
Classification: Uncertain significance. Last evaluated: 2017-01-05. Review status: criteria provided, single submitter. Criteria: EGL Classification Definitions 2015. Collection method: clinical testing. Allele origin: germline. Observed: 1 variant allele, 1 heterozygote.